The following is an entry in ClinVar:

NM_012471.3(TRPC5):c.1265T>C (p.Met422Thr)

Gene: TRPC5 (transient receptor potential cation channel subfamily C member 5; minus strand). Cytogenetic location: Xq23.
Variant type: single nucleotide variant.
Coding change: c.1265T>C on transcript NM_012471.3 (MANE Select); coding-DNA position 1265, T replaced by C.
Protein change: p.Met422Thr; replaces methionine 422 with threonine.
Molecular consequence: missense variant.
Genome position (GRCh38, 1-based): chrX:111,852,410, A>G on the plus strand (T>C on the coding strand, the complement: TRPC5 is on the minus strand). VCF-style: chrX-111852410-A-G. GRCh37 (hg19) VCF-style: chrX-111095638-A-G.
Other names: short protein forms M422T.
Identifiers: ClinVar variation 3344689 (VCV003344689.1).

ClinVar aggregate classification (germline): Uncertain significance (0 of 4 stars; one submission).

Conditions:
TRPC5-related disorder. Also called: TRPC5-related condition.

gnomAD v4.1: 1 of 1,209,530 alleles (0.000083%); highest among the groups gnomAD compares: Non-Finnish European, 0.00011%; no homozygotes.

Submission:

PreventionGenetics, part of Exact Sciences
Classification: Uncertain significance for TRPC5-related condition. Last evaluated: 2024-04-09. Review status: no assertion criteria provided. Collection method: clinical testing. Allele origin: germline.
Comment: The TRPC5 c.1265T>C variant is predicted to result in the amino acid substitution p.Met422Thr. To our knowledge, this variant has not been reported in the literature or in gnomAD, indicating this variant is rare. At this time, the clinical significance of this variant is uncertain due to the absence of conclusive functional and genetic evidence.